The following is an entry in ClinVar:

NM_002381.5(MATN3):c.223+1G>T

Gene: MATN3 (matrilin 3; minus strand). Cytogenetic location: 2p24.1.
Variant type: single nucleotide variant.
Coding change: c.223+1G>T on transcript NM_002381.5 (MANE Select); the canonical splice donor site of the intron after coding-DNA position 223, G replaced by T.
Molecular consequence: splice donor variant.
Genome position (GRCh38, 1-based): chr2:20,012,408, C>A on the plus strand (G>T on the coding strand, the complement: MATN3 is on the minus strand). VCF-style: chr2-20012408-C-A. GRCh37 (hg19) VCF-style: chr2-20212169-C-A.
Identifiers: ClinVar variation 4706738 (VCV004706738.1).

ClinVar aggregate classification (germline): Uncertain significance (1 of 4 stars; one submission).

gnomAD v4.1: 7 of 1,229,190 alleles (0.00057%); highest among the groups gnomAD compares: Non-Finnish European, 0.0001%; no homozygotes.

Submission:

Labcorp Genetics (formerly Invitae), Labcorp
Classification: Uncertain significance. Last evaluated: 2025-07-30. Review status: criteria provided, single submitter. Criteria: Invitae Variant Classification Sherloc (09022015). Collection method: clinical testing. Allele origin: germline.
Comment: This sequence change affects a donor splice site in intron 1 of the MATN3 gene. It is expected to disrupt RNA splicing. Variants that disrupt the donor or acceptor splice site typically lead to a loss of protein function (PMID: 16199547), however the current clinical and genetic evidence is not sufficient to establish whether loss-of-function variants in MATN3 cause disease. This variant is not present in population databases (gnomAD no frequency). This variant has not been reported in the literature in individuals affected with MATN3-related conditions. Algorithms developed to predict the effect of sequence changes on RNA splicing suggest that this variant may disrupt the consensus splice site. In summary, the available evidence is currently insufficient to determine the role of this variant in disease. Therefore, it has been classified as a Variant of Uncertain Significance.

Literature cited by the submitters: PubMed 16199547.